The following is an entry in ClinVar:

ClinVar aggregate classification (germline): Likely pathogenic. Review status: criteria provided, multiple submitters, no conflicts (2 of 4 stars). 2 submissions from 2 submitters: Likely pathogenic (2). Last evaluated 2024-09-08.

Conditions:
Amyotrophic lateral sclerosis type 1 (ALS1). Also called: AMYOTROPHIC LATERAL SCLEROSIS 1, FAMILIAL. Identifiers: Orphanet 803, MedGen C1862939, MONDO:0007103, OMIM 105400.

Submissions (2):

Labcorp Genetics (formerly Invitae), Labcorp
Classification: Likely pathogenic for Amyotrophic lateral sclerosis type 1. Last evaluated: 2024-09-08. Review status: criteria provided, single submitter. Criteria: Invitae Variant Classification Sherloc (09022015). Collection method: clinical testing. Allele origin: germline.
Comment: This sequence change replaces valine, which is neutral and non-polar, with methionine, which is neutral and non-polar, at codon 6 of the SOD1 protein (p.Val6Met). This variant is not present in population databases (gnomAD no frequency). This missense change has been observed in individual(s) with clinical features of autosomal dominant amyotrophic lateral sclerosis (PMID: 35076740; internal data). ClinVar contains an entry for this variant (Variation ID: 1926438). Invitae Evidence Modeling of protein sequence and biophysical properties (such as structural, functional, and spatial information, amino acid conservation, physicochemical variation, residue mobility, and thermodynamic stability) indicates that this missense variant is expected to disrupt SOD1 protein function with a positive predictive value of 95%. This variant disrupts the p.Val6 amino acid residue in SOD1. Other variant(s) that disrupt this residue have been observed in individuals with SOD1-related conditions (PMID: 21700728; internal data), which suggests that this may be a clinically significant amino acid residue. In summary, the currently available evidence indicates that the variant is pathogenic, but additional data are needed to prove that conclusively. Therefore, this variant has been classified as Likely Pathogenic.

Clinical Genetics Service, Universitary Hospital 12 de Octubre
Classification: Likely pathogenic for Amyotrophic lateral sclerosis type 1. Review status: criteria provided, single submitter. Criteria: ACMG Guidelines, 2015. Collection method: clinical testing. Allele origin: germline. Affected: yes.

Literature cited by the submitters: PubMed 35076740 (cited by Labcorp Genetics (formerly Invitae), Labcorp); PubMed 21700728 (cited by Labcorp Genetics (formerly Invitae), Labcorp).

NM_000454.5(SOD1):c.16G>A (p.Val6Met)

Genes: SOD1 (superoxide dismutase 1; plus strand), SOD1-DT (SOD1 divergent transcript; minus strand). Cytogenetic location: 21q22.11.
Variant type: single nucleotide variant.
Coding change: c.16G>A on transcript NM_000454.5 (MANE Select); coding-DNA position 16, G replaced by A.
Protein change: p.Val6Met; replaces valine 6 with methionine.
Molecular consequence: missense variant.
Genome position (GRCh38, 1-based): chr21:31,659,785, G>A. VCF-style: chr21-31659785-G-A. GRCh37 (hg19) VCF-style: chr21-33032098-G-A.
Other names: short protein forms V6M.
Identifiers: ClinVar variation 1926438 (VCV001926438.6), dbSNP rs1568807314, ClinGen allele CA410035888.